The following is an entry in ClinVar:

NM_005076.5(CNTN2):c.2544+1G>T

Gene: CNTN2 (contactin 2; plus strand). Cytogenetic location: 1q32.1.
Variant type: single nucleotide variant.
Coding change: c.2544+1G>T on transcript NM_005076.5 (MANE Select); the canonical splice donor site of the intron after coding-DNA position 2544, G replaced by T.
Molecular consequence: splice donor variant.
Genome position (GRCh38, 1-based): chr1:205,070,539, G>T. VCF-style: chr1-205070539-G-T. GRCh37 (hg19) VCF-style: chr1-205039667-G-T.
Other names: c.2544+1G>T (NM_001346083.2).
Identifiers: ClinVar variation 2127230 (VCV002127230.4), dbSNP rs2526418181, ClinGen allele CA344380715.
Genomic context (GRCh38, chr1:205,070,539, plus strand): 5'-ATGAACGTGACCTGGGAACCCGTGCAGCAGGACATGAATGGTATCCTCCTGGGGTATGAG[G>T]TGAGCACCAACCTGGGACTTGGGAGAGGAAGGGGTGCTGGGGCTTCAAAGCCAGGTGGGA-3'

ClinVar aggregate classification (germline): Likely pathogenic (1 of 4 stars; one submission).

Conditions:
Epilepsy, familial adult myoclonic, 5 (EPEO5). Also called: CORTICAL MYOCLONIC TREMOR WITH EPILEPSY, FAMILIAL, 5. Identifiers: Orphanet 86814, MedGen C3809374, MONDO:0014167, OMIM 615400.

Submission:

Labcorp Genetics (formerly Invitae), Labcorp
Classification: Likely pathogenic for Epilepsy, familial adult myoclonic, 5. Last evaluated: 2022-09-16. Review status: criteria provided, single submitter. Criteria: Invitae Variant Classification Sherloc (09022015). Collection method: clinical testing. Allele origin: germline.
Comment: In summary, the currently available evidence indicates that the variant is pathogenic, but additional data are needed to prove that conclusively. Therefore, this variant has been classified as Likely Pathogenic. Algorithms developed to predict the effect of sequence changes on RNA splicing suggest that this variant may disrupt the consensus splice site. This variant has not been reported in the literature in individuals affected with CNTN2-related conditions. This variant is not present in population databases (gnomAD no frequency). This sequence change affects a donor splice site in intron 19 of the CNTN2 gene. It is expected to disrupt RNA splicing. Variants that disrupt the donor or acceptor splice site typically lead to a loss of protein function (PMID: 16199547), and loss-of-function variants in CNTN2 are known to be pathogenic (PMID: 11178983, 23518707).

Literature cited by the submitters: PubMed 16199547; PubMed 11178983; PubMed 23518707.